The following is an entry in ClinVar:

ClinVar aggregate classification (germline): Uncertain significance. Review status: criteria provided, multiple submitters, no conflicts (2 of 4 stars). 2 submissions from 2 submitters: Uncertain significance (2). Last evaluated 2026-05-11.

Conditions:
Inborn genetic diseases. Identifiers: MedGen C0950123, MeSH D030342.

gnomAD v4.1: 1 of 1,612,586 alleles (0.000062%); highest among the groups gnomAD compares: Non-Finnish European, 0.000085%; no homozygotes.

Submissions (2):

Ambry Genetics
Classification: Uncertain significance for Inborn genetic diseases. Last evaluated: 2026-05-11. Review status: criteria provided, single submitter. Criteria: Ambry Variant Classification Scheme 2023. Collection method: clinical testing. Allele origin: germline.

Labcorp Genetics (formerly Invitae), Labcorp
Classification: Uncertain significance. Last evaluated: 2024-12-31. Review status: criteria provided, single submitter. Criteria: Invitae Variant Classification Sherloc (09022015). Collection method: clinical testing. Allele origin: germline.
Comment: This sequence change replaces glycine, which is neutral and non-polar, with alanine, which is neutral and non-polar, at codon 1480 of the COL4A2 protein (p.Gly1480Ala). This variant is not present in population databases (gnomAD no frequency). This variant has not been reported in the literature in individuals affected with COL4A2-related conditions. Invitae Evidence Modeling of protein sequence and biophysical properties (such as structural, functional, and spatial information, amino acid conservation, physicochemical variation, residue mobility, and thermodynamic stability) indicates that this missense variant is not expected to disrupt COL4A2 protein function with a negative predictive value of 95%. In summary, the available evidence is currently insufficient to determine the role of this variant in disease. Therefore, it has been classified as a Variant of Uncertain Significance.

NM_001846.4(COL4A2):c.4439G>C (p.Gly1480Ala)

Genes: COL4A2-AS1 (COL4A2 antisense RNA 1; minus strand), COL4A2 (collagen type IV alpha 2 chain; plus strand). Cytogenetic location: 13q34.
Variant type: single nucleotide variant.
Coding change: c.4439G>C on transcript NM_001846.4 (MANE Select); coding-DNA position 4439, G replaced by C.
Protein change: p.Gly1480Ala; replaces glycine 1480 with alanine.
Molecular consequence: missense variant.
Genome position (GRCh38, 1-based): chr13:110,506,451, G>C. VCF-style: chr13-110506451-G-C. GRCh37 (hg19) VCF-style: chr13-111158798-G-C.
Other names: c.4439G>C (NM_001846.2); short protein forms G1480A.
Identifiers: ClinVar variation 3719754 (VCV003719754.3).